The following is an entry in ClinVar:

ClinVar aggregate classification (germline): Uncertain significance (1 of 4 stars; one submission).

Submission:

GeneDx
Classification: Uncertain significance. Last evaluated: 2023-02-06. Review status: criteria provided, single submitter. Criteria: GeneDx Variant Classification Process June 2021. Collection method: clinical testing. Allele origin: germline. Affected: yes.
Comment: In silico analysis supports that this missense variant has a deleterious effect on protein structure/function; Not observed at significant frequency in large population cohorts (gnomAD); Has not been previously published as pathogenic or benign to our knowledge

NM_001291415.2(KDM6A):c.493C>G (p.Arg165Gly)

Gene: KDM6A (lysine demethylase 6A; plus strand). Cytogenetic location: Xp11.3.
Variant type: single nucleotide variant.
Coding change: c.493C>G on transcript NM_001291415.2 (MANE Select); coding-DNA position 493, C replaced by G.
Protein change: p.Arg165Gly; replaces arginine 165 with glycine.
Molecular consequence: missense variant. On other transcripts: non-coding transcript variant (1), intron variant (1).
Genome position (GRCh38, 1-based): chrX:45,020,659, C>G. VCF-style: chrX-45020659-C-G. GRCh37 (hg19) VCF-style: chrX-44879904-C-G.
Other names: c.493C>G, p.Arg165Gly (NM_001291416.2, NM_001291417.2, NM_001291418.2 and 9 more transcripts); c.-190+9640C>G (NM_001291421.2); short protein forms R165G.
Identifiers: ClinVar variation 2574922 (VCV002574922.1), dbSNP rs912069418, ClinGen allele CA413022839.
Genomic context (GRCh38, chrX:45,020,659, plus strand): 5'-TATTCTTTCAGGGCAATTAAAGCATTTCAGGAGGTGCTTTATGTTGATCCCAGCTTTTGT[C>G]GAGCCAAGGAAATTCATTTACGACTTGGGCTTATGTTCAAAGTGAACACAGACTATGAGT-3'
Protein context (NP_001278344.1, residues 155-175): EVLYVDPSFC[Arg165Gly]AKEIHLRLGL